The following is an entry in ClinVar:

ClinVar aggregate classification (germline): Uncertain significance. Review status: criteria provided, multiple submitters, no conflicts (2 of 4 stars). 2 submissions from 2 submitters: Uncertain significance (2). Last evaluated 2022-02-08.

Conditions:
Hereditary cancer-predisposing syndrome. Also called: Tumor predisposition; Neoplastic Syndromes, Hereditary; Hereditary Cancer Syndrome; Hereditary neoplastic syndrome. Identifiers: Orphanet 140162, MedGen C0027672, MeSH D009386, MONDO:0015356.

Submissions (2):

Ambry Genetics
Classification: Uncertain significance for Hereditary cancer-predisposing syndrome. Last evaluated: 2022-02-08. Review status: criteria provided, single submitter. Criteria: Ambry Variant Classification Scheme 2023. Collection method: clinical testing. Allele origin: germline.
Comment: The p.E709Q variant (also known as c.2125G>C), located in coding exon 19 of the POLE gene, results from a G to C substitution at nucleotide position 2125. The glutamic acid at codon 709 is replaced by glutamine, an amino acid with highly similar properties. This amino acid position is conserved. In addition, this alteration is predicted to be tolerated by in silico analysis. Since supporting evidence is limited at this time, the clinical significance of this alteration remains unclear.

GeneDx
Classification: Uncertain significance. Last evaluated: 2019-05-01. Review status: criteria provided, single submitter. Criteria: GeneDx Variant Classification Process June 2021. Collection method: clinical testing. Allele origin: germline. Affected: yes.
Comment: Not observed in large population cohorts (Lek et al., 2016); In silico analysis, which includes protein predictors and evolutionary conservation, supports that this variant does not alter protein structure/function; Has not been previously published as pathogenic or benign to our knowledge

NM_006231.4(POLE):c.2125G>C (p.Glu709Gln)

Gene: POLE (DNA polymerase epsilon, catalytic subunit; minus strand). Cytogenetic location: 12q24.33.
Variant type: single nucleotide variant.
Coding change: c.2125G>C on transcript NM_006231.4 (MANE Select); coding-DNA position 2125, G replaced by C.
Protein change: p.Glu709Gln; replaces glutamic acid 709 with glutamine.
Molecular consequence: missense variant.
Genome position (GRCh38, 1-based): chr12:132,668,404, C>G on the plus strand (G>C on the coding strand, the complement: POLE is on the minus strand). VCF-style: chr12-132668404-C-G. GRCh37 (hg19) VCF-style: chr12-133244990-C-G.
Other names: short protein forms E709Q.
Identifiers: ClinVar variation 1305652 (VCV001305652.4), dbSNP rs1367402208, ClinGen allele CA387353809.
Genomic context (GRCh38, chr12:132,668,404, plus strand): 5'-CCAGGCACTCACCCGCCAGCCTTCTCTTCTCGTATTTCGCCTGTTCCTCGCGGGACAGTT[C>G]ATGAAAGGCCCGAGCTGGCCCCTCTGGGAACAAGGGGGGGAACTTCTCTGACTCCAGCTG-3'
Protein context (NP_006222.2, residues 699-719): FPEGPARAFH[Glu709Gln]LSREEQAKYE